The following is an entry in ClinVar:

ClinVar aggregate classification (germline): Uncertain significance. Review status: criteria provided, multiple submitters, no conflicts (2 of 4 stars). 2 submissions from 2 submitters: Uncertain significance (2). Last evaluated 2026-06-12.

Submissions (2):

GeneDx
Classification: Uncertain significance. Last evaluated: 2026-06-12. Review status: criteria provided, single submitter. Criteria: GeneDx Variant Classification Process June 2021. Collection method: clinical testing. Allele origin: germline.
Comment: Not observed at significant frequency in large population cohorts (gnomAD); In silico analysis suggests that this missense variant does not alter protein structure/function; Has not been previously published as pathogenic or benign to our knowledge; This variant is associated with the following publications: (PMID: Figueiredo2014[Thesis])

Labcorp Genetics (formerly Invitae), Labcorp
Classification: Uncertain significance. Last evaluated: 2023-05-23. Review status: criteria provided, single submitter. Criteria: Invitae Variant Classification Sherloc (09022015). Collection method: clinical testing. Allele origin: germline.
Comment: In summary, the available evidence is currently insufficient to determine the role of this variant in disease. Therefore, it has been classified as a Variant of Uncertain Significance. Advanced modeling of protein sequence and biophysical properties (such as structural, functional, and spatial information, amino acid conservation, physicochemical variation, residue mobility, and thermodynamic stability) performed at Invitae indicates that this missense variant is not expected to disrupt POLA1 protein function. This variant has not been reported in the literature in individuals affected with POLA1-related conditions. This variant is not present in population databases (gnomAD no frequency). This sequence change replaces methionine, which is neutral and non-polar, with threonine, which is neutral and polar, at codon 1303 of the POLA1 protein (p.Met1303Thr).

NM_001330360.2(POLA1):c.3926T>C (p.Met1309Thr)

Gene: POLA1 (DNA polymerase alpha 1, catalytic subunit; plus strand). Cytogenetic location: Xp22.11.
Variant type: single nucleotide variant.
Coding change: c.3926T>C on transcript NM_001330360.2 (MANE Select); coding-DNA position 3926, T replaced by C.
Protein change: p.Met1309Thr; replaces methionine 1309 with threonine.
Molecular consequence: missense variant. On other transcripts: non-coding transcript variant (2).
Genome position (GRCh38, 1-based): chrX:24,843,556, T>C. VCF-style: chrX-24843556-T-C. GRCh37 (hg19) VCF-style: chrX-24861673-T-C.
Other names: c.3908T>C (NM_016937.3); c.3851T>C, p.Met1284Thr (NM_001378303.1); c.3908T>C, p.Met1303Thr (NM_016937.4); short protein forms M1284T, M1303T, M1309T.
Identifiers: ClinVar variation 3015377 (VCV003015377.5), dbSNP rs2518749101, ClinGen allele CA412608348.
Genomic context (GRCh38, chrX:24,843,556, plus strand): 5'-CTTTTATAGCCTCACAGTAATTTTTTGTATACTTCTCCTGACTTATGTAGGGAACAGATA[T>C]GGAGCCCAGCTTGTATCGTTGCAGTAACATCGATTGTAAGGCTTCACCTCTGACCTTTAC-3'
Protein context (NP_001317289.1, residues 1299-1319): DNVFDGSGTD[Met1309Thr]EPSLYRCSNI